The following is an entry in ClinVar:

ClinVar aggregate classification (germline): Uncertain significance (1 of 4 stars; one submission).

Conditions:
Holt-Oram syndrome (HOS). Also called: TBX5-Related Holt-Oram Syndrome; Ventriculo-radial syndrome; Cardiac-limb syndrome; Heart-hand syndrome, type 1. Identifiers: Orphanet 392, MedGen C0265264, MONDO:0007732, OMIM 142900.

Submission:

Juno Genomics, Hangzhou Juno Genomics, Inc
Classification: Uncertain significance for Holt-Oram syndrome. Review status: criteria provided, single submitter. Criteria: ACMG Guidelines, 2015. Collection method: clinical testing. Allele origin: germline.
Comment: Absent from controls (or at extremely low frequency if recessive) in Genome Aggregation Database.

NM_181486.4(TBX5):c.756-7C>G

Gene: TBX5 (T-box transcription factor 5; minus strand). Cytogenetic location: 12q24.21.
Variant type: single nucleotide variant.
Coding change: c.756-7C>G on transcript NM_181486.4 (MANE Select); 7 bases into the intron before coding-DNA position 756, C replaced by G.
Molecular consequence: intron variant.
Genome position (GRCh38, 1-based): chr12:114,366,398, G>C on the plus strand (C>G on the coding strand, the complement: TBX5 is on the minus strand). VCF-style: chr12-114366398-G-C. GRCh37 (hg19) VCF-style: chr12-114804203-G-C.
Other names: c.606-7C>G (NM_080717.4); c.756-7C>G (NM_000192.3).
Identifiers: ClinVar variation 5005041 (VCV005005041.2).
Genomic context (GRCh38, chr12:114,366,398, plus strand): 5'-TTGGAGGCCACTTTTTGCCTCACGGTGCTCCTGGGGACCACGGGATATTCTTTACTGAAA[G>C]AGAAAAGATGGGAGATAACGCCTATCAGTGCCCTGATACAGATTTCCTGAGTGGCTGAAC-3'